The following is an entry in ClinVar:

ClinVar aggregate classification (germline): Likely benign. Review status: criteria provided, multiple submitters, no conflicts (2 of 4 stars). 2 submissions from 2 submitters: Likely benign (2). Last evaluated 2026-04-23.

Conditions:
Mucopolysaccharidosis, MPS-III-C (MPS3C). Also called: MUCOPOLYSACCHARIDOSIS, TYPE IIIC; mucopolysaccharidosis type 3C; SANFILIPPO SYNDROME C; MPS III C; MPS IIIC (Sanfilippo Syndrome Type C); Mucopolysaccharidosis type IIIC (Sanfilippo C). Identifiers: Orphanet 581, Orphanet 79271, MedGen C0086649, MONDO:0009657, OMIM 252930.
Retinitis pigmentosa 73 (RP73). Identifiers: Orphanet 791, MedGen C4225287, MONDO:0014687, OMIM 616544.
HGSNAT-related disorder. Also called: HGSNAT-related condition.

gnomAD v4.1: 4 of 1,235,246 alleles (0.00032%); highest among the groups gnomAD compares: Non-Finnish European, 0.00041%; no homozygotes.

Submissions (2):

PreventionGenetics, part of Exact Sciences
Classification: Likely benign for HGSNAT-related condition. Last evaluated: 2026-04-23. Review status: criteria provided, single submitter. Criteria: ACMG Guidelines, 2015. Collection method: clinical testing. Allele origin: germline.
Comment: This variant is classified as likely benign based on ACMG/AMP sequence variant interpretation guidelines (Richards et al. 2015 PMID: 25741868, with internal and published modifications).

Labcorp Genetics (formerly Invitae), Labcorp
Classification: Likely benign for Retinitis pigmentosa 73; Mucopolysaccharidosis, MPS-III-C. Last evaluated: 2024-03-06. Review status: criteria provided, single submitter. Criteria: Invitae Variant Classification Sherloc (09022015). Collection method: clinical testing. Allele origin: germline.

NM_152419.3(HGSNAT):c.108G>C (p.Ala36=)

Genes: HGSNAT (heparan-alpha-glucosaminide N-acetyltransferase; plus strand), LOC130000316 (ATAC-STARR-seq lymphoblastoid silent region 19164; plus strand). Cytogenetic location: 8p11.21.
Variant type: single nucleotide variant.
Coding change: c.108G>C on transcript NM_152419.3 (MANE Select); coding-DNA position 108, G replaced by C.
Protein change: p.Ala36=; no amino-acid change (alanine 36 retained).
Molecular consequence: synonymous variant. On other transcripts: 5 prime UTR variant (1).
Genome position (GRCh38, 1-based): chr8:43,140,604, G>C. VCF-style: chr8-43140604-G-C. GRCh37 (hg19) VCF-style: chr8-42995747-G-C.
Other names: c.108G>C, p.Ala36= (NM_001363227.2, NM_001363228.2); c.-726G>C (NM_001363229.2).
Identifiers: ClinVar variation 754314 (VCV000754314.8), dbSNP rs886062952, ClinGen allele CA460574590.